The following is an entry in ClinVar:

NM_001367624.2(ZNF469):c.893C>T (p.Thr298Ile)

Gene: ZNF469 (zinc finger protein 469; plus strand). Cytogenetic location: 16q24.2.
Variant type: single nucleotide variant.
Coding change: c.893C>T on transcript NM_001367624.2 (MANE Select); coding-DNA position 893, C replaced by T.
Protein change: p.Thr298Ile; replaces threonine 298 with isoleucine.
Molecular consequence: missense variant.
Genome position (GRCh38, 1-based): chr16:88,428,363, C>T. VCF-style: chr16-88428363-C-T. GRCh37 (hg19) VCF-style: chr16-88494771-C-T.
Other names: short protein forms T298I.
Identifiers: ClinVar variation 1971506 (VCV001971506.3), dbSNP rs2507572938, ClinGen allele CA397062181.

ClinVar aggregate classification (germline): Uncertain significance (1 of 4 stars; one submission).

Allele frequency attached by ClinVar (database versions not stated): gnomAD exomes 0.00001.
gnomAD v4.1: 7 of 1,548,978 alleles (0.00045%); highest among the groups gnomAD compares: Non-Finnish European, 0.00061%; no homozygotes.

Submission:

Labcorp Genetics (formerly Invitae), Labcorp
Classification: Uncertain significance. Last evaluated: 2022-04-15. Review status: criteria provided, single submitter. Criteria: Invitae Variant Classification Sherloc (09022015). Collection method: clinical testing. Allele origin: germline.
Comment: This variant has not been reported in the literature in individuals affected with ZNF469-related conditions. This variant is not present in population databases (gnomAD no frequency). This sequence change replaces threonine, which is neutral and polar, with isoleucine, which is neutral and non-polar, at codon 298 of the ZNF469 protein (p.Thr298Ile). Algorithms developed to predict the effect of missense changes on protein structure and function (SIFT, PolyPhen-2, Align-GVGD) all suggest that this variant is likely to be tolerated. In summary, the available evidence is currently insufficient to determine the role of this variant in disease. Therefore, it has been classified as a Variant of Uncertain Significance.